The following is an entry in ClinVar:

NM_018958.3(NPAP1):c.3106C>T (p.Leu1036Phe)

Gene: NPAP1 (nuclear pore associated protein 1; plus strand). Cytogenetic location: 15q11.2.
Variant type: single nucleotide variant.
Coding change: c.3106C>T on transcript NM_018958.3 (MANE Select); coding-DNA position 3106, C replaced by T.
Protein change: p.Leu1036Phe; replaces leucine 1036 with phenylalanine.
Molecular consequence: missense variant.
Genome position (GRCh38, 1-based): chr15:24,678,973, C>T. VCF-style: chr15-24678973-C-T. GRCh37 (hg19) VCF-style: chr15-24924120-C-T.
Other names: short protein forms L1036F.
Identifiers: ClinVar variation 774913 (VCV000774913.27), dbSNP rs142242477, ClinGen allele CA7431053.

ClinVar aggregate classification (germline): Benign. Review status: criteria provided, multiple submitters, no conflicts (2 of 4 stars). 3 submissions from 3 submitters: Benign (3). Last evaluated 2026-06-01.

Allele frequency attached by ClinVar (database versions not stated): 1000 Genomes Project 30x 0.00281; 1000 Genomes Project 0.00319; TOPMed 0.00654; gnomAD exomes 0.00821 and 0.01135; gnomAD 0.00826 and 0.00854; ExAC 0.00830; ESP Exome Variant Server 0.00900.

Submissions (3):

CeGaT Center for Human Genetics Tuebingen
Classification: Benign. Last evaluated: 2026-06-01. Review status: criteria provided, single submitter. Criteria: CeGaT Center For Human Genetics Tuebingen Variant Classification Criteria Version 2. Collection method: clinical testing. Allele origin: germline. Affected: yes. Observed: 5 variant alleles.
Comment: NPAP1: BP4, BS1, BS2

Labcorp Genetics (formerly Invitae), Labcorp
Classification: Benign. Last evaluated: 2018-04-03. Review status: criteria provided, single submitter. Criteria: Invitae Variant Classification Sherloc (09022015). Collection method: clinical testing. Allele origin: germline.

Breakthrough Genomics
Classification: Benign. Review status: criteria provided, single submitter. Criteria: ACMG Guidelines, 2015. Collection method: not provided. Allele origin: germline. Inheritance: Unknown mechanism. Affected: yes.